The following is an entry in ClinVar:

ClinVar aggregate classification (germline): Conflicting classifications of pathogenicity. Review status: criteria provided, conflicting classifications (1 of 4 stars). 9 submissions from 9 submitters: Uncertain significance (7); Likely benign (1). 1 of the submissions does not count toward it. Last evaluated 2026-09-24.

Conditions:
Renal tubular acidosis with progressive nerve deafness. Also called: Distal Renal Tubular Acidosis with Progressive Sensorineural Deafness; renal tubular acidosis, distal, 2, with progressive sensorineural hearing loss; RENAL TUBULAR ACIDOSIS, AUTOSOMAL RECESSIVE, WITH PROGRESSIVE NERVE DEAFNESS; RTA WITH PROGRESSIVE NERVE DEAFNESS. Identifiers: MedGen C0403554, MONDO:0009968, OMIM 267300.
ATP6V1B1-related disorder. Also called: ATP6V1B1-related condition.
Inborn genetic diseases. Identifiers: MedGen C0950123, MeSH D030342.

Allele frequency attached by ClinVar (database versions not stated): 1000 Genomes Project 30x 0.00047; gnomAD 0.00020 and 0.00021; 1000 Genomes Project 0.00060; ESP Exome Variant Server 0.00008; TOPMed 0.00027; gnomAD exomes 0.00014 and 0.00016.
gnomAD v4.1: 261 of 1,592,920 alleles (0.016%); highest among the groups gnomAD compares: African/African-American, 0.034%; no homozygotes.

Submissions (9):

GeneDx
Classification: Uncertain significance. Last evaluated: 2026-09-24. Review status: criteria provided, single submitter. Criteria: GeneDx Variant Classification Process June 2021. Collection method: clinical testing. Allele origin: germline.
Comment: In silico analysis suggests that this missense variant does not alter protein structure/function; Has not been previously published as pathogenic or benign to our knowledge

Labcorp Genetics (formerly Invitae), Labcorp
Classification: Likely benign. Last evaluated: 2026-01-21. Review status: criteria provided, single submitter. Criteria: Invitae Variant Classification Sherloc (09022015). Collection method: clinical testing. Allele origin: germline.

Ambry Genetics
Classification: Uncertain significance for Inborn genetic diseases. Last evaluated: 2025-08-22. Review status: criteria provided, single submitter. Criteria: Ambry Variant Classification Scheme 2023. Collection method: clinical testing. Allele origin: germline.

PreventionGenetics, part of Exact Sciences
Classification: Uncertain significance for ATP6V1B1-related condition. Last evaluated: 2025-08-13. Review status: criteria provided, single submitter. Criteria: ACMG Guidelines, 2015. Collection method: clinical testing. Allele origin: germline.
Comment: The ATP6V1B1 c.670G>A variant is predicted to result in the amino acid substitution p.Val224Ile. To our knowledge, this variant has not been reported in the literature. This variant is reported in 0.041% of alleles in individuals of African descent in gnomAD. At this time, the clinical significance of this variant is uncertain due to the absence of conclusive functional and genetic evidence.

Blueprint Genetics
Classification: Uncertain significance. Last evaluated: 2024-07-11. Review status: criteria provided, single submitter. Criteria: ACMG Guidelines, 2015. Collection method: clinical testing. Allele origin: germline.

Fulgent Genetics
Classification: Uncertain significance for Renal tubular acidosis with progressive nerve deafness. Last evaluated: 2024-01-29. Review status: criteria provided, single submitter. Criteria: ACMG Guidelines, 2015. Collection method: clinical testing. Allele origin: germline.

Laboratory for Molecular Medicine, Mass General Brigham Personalized Medicine
Classification: Uncertain significance. Last evaluated: 2020-07-10. Review status: criteria provided, single submitter. Criteria: LMM Criteria. Collection method: clinical testing. Allele origin: germline. Observed: 1 variant allele.
Comment: The p.Val224Ile variant in ATP6V1B1 has not been previously reported in individuals with Renal tubular acidosis with deafness but has been identified in 0.04% (9/21934) of African chromosomes by gnomAD. Computational prediction tools and conservation analyses suggest that this variant may not impact the protein, though this information is not predictive enough to rule out pathogenicity. In summary, the clinical significance of this variant is uncertain. ACMG/AMP Criteria applied: PM2_Supporting.

Breakthrough Genomics
Classification: Uncertain significance. Review status: criteria provided, single submitter. Criteria: ACMG Guidelines, 2015. Collection method: not provided. Allele origin: germline. Inheritance: Autosomal recessive inheritance. Affected: yes.

Natera, Inc.
Classification: Uncertain significance for Renal tubular acidosis with progressive nerve deafness. Last evaluated: 2020-01-27. Review status: no assertion criteria provided. Collection method: clinical testing. Allele origin: germline. Not counted in ClinVar's aggregate classification.

NM_001692.4(ATP6V1B1):c.670G>A (p.Val224Ile)

Gene: ATP6V1B1 (ATPase H+ transporting V1 subunit B1; plus strand). Cytogenetic location: 2p13.3.
Variant type: single nucleotide variant.
Coding change: c.670G>A on transcript NM_001692.4 (MANE Select); coding-DNA position 670, G replaced by A.
Protein change: p.Val224Ile; replaces valine 224 with isoleucine.
Molecular consequence: missense variant.
Genome position (GRCh38, 1-based): chr2:70,961,005, G>A. VCF-style: chr2-70961005-G-A. GRCh37 (hg19) VCF-style: chr2-71188135-G-A.
Other names: c.670G>A (NM_001692.3); short protein forms V224I.
Identifiers: ClinVar variation 1120064 (VCV001120064.15), dbSNP rs202215158, ClinGen allele CA1701120.
Genomic context (GRCh38, chr2:70,961,005, plus strand): 5'-GCGGGGCTGGTGAAGAAGTCCAAGGCTGTGCTGGATTACCATGACGACAACTTCGCCATC[G>A]TCTTTGCAGCCATGGGGGTGAGGAGACTTAGTAGACTGGCAAGTTCTGGAGGCTGTGAGC-3'
Protein context (NP_001683.2, residues 214-234): LDYHDDNFAI[Val224Ile]FAAMGVNMET